The following is an entry in ClinVar:

ClinVar aggregate classification (germline): Uncertain significance. Review status: criteria provided, multiple submitters, no conflicts (2 of 4 stars). 3 submissions from 3 submitters: Uncertain significance (3). Last evaluated 2024-05-06.

Conditions:
Catecholaminergic polymorphic ventricular tachycardia (CVPT). Also called: Catecholamine-induced polymorphic ventricular tachycardia. Identifiers: Orphanet 3286, MedGen C5574922, MONDO:0017990.
Cardiomyopathy (CMYO). Also called: Cardiomyopathies. Identifiers: Orphanet 167848, MedGen C0878544, MONDO:0004994, HP:0001638. Inheritance: Various modes of inheritance.
Catecholaminergic polymorphic ventricular tachycardia 1. Also called: RYR2-Related Catecholaminergic Polymorphic Ventricular Tachycardia; VENTRICULAR TACHYCARDIA, STRESS-INDUCED POLYMORPHIC 1; VENTRICULAR TACHYCARDIA, CATECHOLAMINERGIC POLYMORPHIC, 1, WITH OR WITHOUT ATRIAL DYSFUNCTION AND/OR DILATED CARDIOMYOPATHY. Identifiers: Orphanet 3286, MedGen C1631597, MONDO:0011484, OMIM 604772.

Allele frequency attached by ClinVar (database versions not stated): gnomAD exomes 0.00001.
gnomAD v4.1: 8 of 1,611,908 alleles (0.0005%); highest among the groups gnomAD compares: Non-Finnish European, 0.00068%; no homozygotes.

Submissions (3):

Labcorp Genetics (formerly Invitae), Labcorp
Classification: Uncertain significance for Catecholaminergic polymorphic ventricular tachycardia 1. Last evaluated: 2024-05-06. Review status: criteria provided, single submitter. Criteria: Invitae Variant Classification Sherloc (09022015). Collection method: clinical testing. Allele origin: germline.
Comment: This sequence change replaces arginine, which is basic and polar, with lysine, which is basic and polar, at codon 3660 of the RYR2 protein (p.Arg3660Lys). This variant is not present in population databases (gnomAD no frequency). This variant has not been reported in the literature in individuals affected with RYR2-related conditions. Advanced modeling of protein sequence and biophysical properties (such as structural, functional, and spatial information, amino acid conservation, physicochemical variation, residue mobility, and thermodynamic stability) performed at Invitae indicates that this missense variant is not expected to disrupt RYR2 protein function with a negative predictive value of 95%. In summary, the available evidence is currently insufficient to determine the role of this variant in disease. Therefore, it has been classified as a Variant of Uncertain Significance.

Color Diagnostics, LLC DBA Color Health
Classification: Uncertain significance for Cardiomyopathy. Last evaluated: 2024-04-10. Review status: criteria provided, single submitter. Criteria: ACMG Guidelines, 2015. Collection method: clinical testing. Allele origin: germline.
Comment: This missense variant replaces arginine with lysine at codon 3660 of the RYR2 protein. Computational prediction suggests that this variant may not impact protein structure and function. To our knowledge, functional studies have not been reported for this variant. This variant has not been reported in individuals affected with RYR2-related disorders in the literature. This variant has not been identified in the general population by the Genome Aggregation Database (gnomAD). The available evidence is insufficient to determine the role of this variant in disease conclusively. Therefore, this variant is classified as a Variant of Uncertain Significance.

All of Us Research Program, National Institutes of Health
Classification: Uncertain significance for Catecholaminergic polymorphic ventricular tachycardia. Last evaluated: 2023-03-04. Review status: criteria provided, single submitter. Criteria: ACMG Guidelines, 2015. Collection method: clinical testing. Allele origin: germline. Inheritance: Autosomal dominant inheritance. Observed: 1 variant allele, 1 heterozygote.
Comment: This study involves interpretation of variants in research participants for the purpose of population health screening. Participant phenotype was not available at the time of variant classification. Additional details can be found in publication PMID: 35346344, PMCID: PMC8962531

NM_001035.3(RYR2):c.10979G>A (p.Arg3660Lys)

Gene: RYR2 (ryanodine receptor 2; plus strand). Cytogenetic location: 1q43.
Variant type: single nucleotide variant.
Coding change: c.10979G>A on transcript NM_001035.3 (MANE Select); coding-DNA position 10979, G replaced by A.
Protein change: p.Arg3660Lys; replaces arginine 3660 with lysine.
Molecular consequence: missense variant.
Genome position (GRCh38, 1-based): chr1:237,732,089, G>A. VCF-style: chr1-237732089-G-A. GRCh37 (hg19) VCF-style: chr1-237895389-G-A.
Other names: short protein forms R3660K.
Identifiers: ClinVar variation 3069535 (VCV003069535.4), dbSNP rs2527070106, ClinGen allele CA345418998.